The following is an entry in ClinVar:

ClinVar aggregate classification (germline): Uncertain significance (1 of 4 stars; one submission).

Allele frequency attached by ClinVar (database versions not stated): gnomAD exomes below 0.00001.
gnomAD v4.1: 2 of 1,607,974 alleles (0.00012%); highest among the groups gnomAD compares: Non-Finnish European, 0.00017%; no homozygotes.

Submission:

GeneDx
Classification: Uncertain significance. Last evaluated: 2017-07-03. Review status: criteria provided, single submitter. Criteria: GeneDx Variant Classification (06012015). Collection method: clinical testing. Allele origin: germline. Affected: yes.
Comment: The S1908F variant has not been published as a pathogenic variant, nor has it been reported as a benign variant to our knowledge. The S1908F variant is not observed in large population cohorts (Lek et al., 2016; 1000 Genomes Consortium et al., 2015; Exome Variant Server). The S1908F variant is a non-conservative amino acid substitution, which is likely to impact secondary protein structure as these residues differ in polarity, charge, size and/or other properties. This substitution occurs at a position that is conserved in mammals. In silico analysis predicts this variant is probably damaging to the protein structure/function. In summary, based on the currently available information, it is unclear whether this variant is a pathogenic variant or a rare benign variant.

NM_012330.4(KAT6B):c.5723C>T (p.Ser1908Phe)

Gene: KAT6B (lysine acetyltransferase 6B; plus strand). Cytogenetic location: 10q22.2.
Variant type: single nucleotide variant.
Coding change: c.5723C>T on transcript NM_012330.4 (MANE Select); coding-DNA position 5723, C replaced by T.
Protein change: p.Ser1908Phe; replaces serine 1908 with phenylalanine.
Molecular consequence: missense variant.
Genome position (GRCh38, 1-based): chr10:75,030,547, C>T. VCF-style: chr10-75030547-C-T. GRCh37 (hg19) VCF-style: chr10-76790305-C-T.
Other names: c.5174C>T, p.Ser1725Phe (NM_001256468.2, NM_001370138.1); c.4847C>T, p.Ser1616Phe (NM_001256469.2, NM_001370139.1, NM_001370140.1 and 2 more transcripts); c.4685C>T, p.Ser1562Phe (NM_001370132.1); c.4034C>T, p.Ser1345Phe (NM_001370133.1); c.3638C>T, p.Ser1213Phe (NM_001370134.1); c.3380C>T, p.Ser1127Phe (NM_001370135.1); c.5723C>T, p.Ser1908Phe (NM_001370136.1, NM_001370137.1); c.4658C>T, p.Ser1553Phe (NM_001370143.1, NM_001370144.1); short protein forms S1908F, S1553F, S1345F, S1127F, S1725F, S1213F, S1562F, S1616F.
Identifiers: ClinVar variation 78048 (VCV000078048.2), dbSNP rs267602578, ClinGen allele CA209710991.
Genomic context (GRCh38, chr10:75,030,547, plus strand): 5'-CAATGAATCTGCCGCCGCCTCTTTTGCAACGGAACATGGCTGCATCAAATATTGGCATCT[C>T]TCACAGCCAAAGACTGCAAACCCAGATTGCCAGCAAGGGCCACATCTCCATGAGAACCAA-3'
Protein context (NP_036462.2, residues 1898-1918): RNMAASNIGI[Ser1908Phe]HSQRLQTQIA